The following is an entry in ClinVar:

ClinVar aggregate classification (germline): Likely pathogenic (1 of 4 stars; one submission).

Conditions:
Roberts-SC phocomelia syndrome (RBS). Also called: LONG BONE DEFICIENCIES ASSOCIATED WITH CLEFT LIP-PALATE; ESCO2 Spectrum Disorder; Hypomelia hypotrichosis facial hemangioma syndrome; Pseudothalidomide syndrome; Appelt-Gerken-Lenz syndrome. Identifiers: Orphanet 3103, MedGen C0392475, MONDO:0100253, OMIM 268300.

Submission:

Natera, Inc.
Classification: Likely pathogenic for Roberts syndrome. Last evaluated: 2025-03-28. Review status: criteria provided, single submitter. Criteria: Natera Variant Classification Schema (03/2026). Collection method: clinical testing. Allele origin: germline.
Comment: The c.1013+1G>C variant in ESCO2 is a canonical splice donor site variant predicted to affect pre-mRNA splicing, which may result in an abnormal transcript and altered protein product. This variant is expected to result in nonsense mediated decay, truncation, or a dysfunctional protein product. This variant is rare in the general population with a frequency below the threshold expected for the associated phenotype(s). Given the available evidence, this variant is classified as Likely Pathogenic.

NM_001017420.3(ESCO2):c.1013+1G>C

Gene: ESCO2 (establishment of sister chromatid cohesion N-acetyltransferase 2; plus strand). Cytogenetic location: 8p21.1.
Variant type: single nucleotide variant.
Coding change: c.1013+1G>C on transcript NM_001017420.3 (MANE Select); the canonical splice donor site of the intron after coding-DNA position 1013, G replaced by C.
Molecular consequence: splice donor variant.
Genome position (GRCh38, 1-based): chr8:27,784,058, G>C. VCF-style: chr8-27784058-G-C. GRCh37 (hg19) VCF-style: chr8-27641575-G-C.
Identifiers: ClinVar variation 4067396 (VCV004067396.2).
Genomic context (GRCh38, chr8:27,784,058, plus strand): 5'-AGTTTCTCCTAAGTCCACTGTCTATCCAATCTTCAGTGCATCTTCAGTCAATTCAAAAAG[G>C]TGAGAATTGTTATTGTTTTAAAGTCCAAGCCTTGTAAATTATACAGTTCCTCTGGGTCTC-3'